The following is an entry in ClinVar:

NM_005419.4(STAT2):c.1618G>A (p.Asp540Asn)

Gene: STAT2 (signal transducer and activator of transcription 2; minus strand). Cytogenetic location: 12q13.3.
Variant type: single nucleotide variant.
Coding change: c.1618G>A on transcript NM_005419.4 (MANE Select); coding-DNA position 1618, G replaced by A.
Protein change: p.Asp540Asn; replaces aspartic acid 540 with asparagine.
Molecular consequence: missense variant.
Genome position (GRCh38, 1-based): chr12:56,348,763, C>T on the plus strand (G>A on the coding strand, the complement: STAT2 is on the minus strand). VCF-style: chr12-56348763-C-T. GRCh37 (hg19) VCF-style: chr12-56742547-C-T.
Other names: c.1585G>A, p.Asp529Asn (NM_001385110.1); c.1519G>A, p.Asp507Asn (NM_001385111.1); c.1618G>A, p.Asp540Asn (NM_001385113.1); c.1597G>A, p.Asp533Asn (NM_001385114.1); c.1576G>A, p.Asp526Asn (NM_001385115.1); c.1606G>A, p.Asp536Asn (NM_198332.2); short protein forms D507N, D533N, D536N, D540N, D529N, D526N.
Identifiers: ClinVar variation 1045319 (VCV001045319.8), dbSNP rs1877949552, ClinGen allele CA385260460.

ClinVar aggregate classification (germline): Uncertain significance (1 of 4 stars; one submission).

Conditions:
Primary immunodeficiency with post-measles-mumps-rubella vaccine viral infection. Also called: Immunodeficiency 44. Identifiers: Orphanet 431166, MedGen C4225260, MONDO:0014715, OMIM 616636.

Allele frequency attached by ClinVar (database versions not stated): gnomAD exomes below 0.00001; gnomAD 0.00001.
gnomAD v4.1: 3 of 1,614,036 alleles (0.00019%); highest among the groups gnomAD compares: Middle Eastern, 0.016%; no homozygotes.

Submission:

Labcorp Genetics (formerly Invitae), Labcorp
Classification: Uncertain significance for Primary immunodeficiency with post-measles-mumps-rubella vaccine viral infection. Last evaluated: 2022-05-12. Review status: criteria provided, single submitter. Criteria: Invitae Variant Classification Sherloc (09022015). Collection method: clinical testing. Allele origin: germline.
Comment: ClinVar contains an entry for this variant (Variation ID: 1045319). This variant has not been reported in the literature in individuals affected with STAT2-related conditions. This variant is not present in population databases (gnomAD no frequency). This sequence change replaces aspartic acid, which is acidic and polar, with asparagine, which is neutral and polar, at codon 540 of the STAT2 protein (p.Asp540Asn). Advanced modeling of protein sequence and biophysical properties (such as structural, functional, and spatial information, amino acid conservation, physicochemical variation, residue mobility, and thermodynamic stability) performed at Invitae indicates that this missense variant is not expected to disrupt STAT2 protein function. In summary, the available evidence is currently insufficient to determine the role of this variant in disease. Therefore, it has been classified as a Variant of Uncertain Significance.